The following is an entry in ClinVar:

ClinVar aggregate classification (germline): Uncertain significance (1 of 4 stars; one submission).

Conditions:
Hypertrophic cardiomyopathy 14. Identifiers: MedGen C2750467, MONDO:0013197, OMIM 613251.

Submission:

Labcorp Genetics (formerly Invitae), Labcorp
Classification: Uncertain significance for Hypertrophic cardiomyopathy 14. Last evaluated: 2024-02-02. Review status: criteria provided, single submitter. Criteria: Invitae Variant Classification Sherloc (09022015). Collection method: clinical testing. Allele origin: germline.
Comment: This sequence change creates a premature translational stop signal (p.Thr744Serfs*38) in the MYH6 gene. It is expected to result in an absent or disrupted protein product. However, the current clinical and genetic evidence is not sufficient to establish whether loss-of-function variants in MYH6 cause disease. This variant is not present in population databases (gnomAD no frequency). This variant has not been reported in the literature in individuals affected with MYH6-related conditions. In summary, the available evidence is currently insufficient to determine the role of this variant in disease. Therefore, it has been classified as a Variant of Uncertain Significance.

NM_002471.4(MYH6):c.2231_2237del (p.Thr744fs)

Gene: MYH6 (myosin heavy chain 6; minus strand). Cytogenetic location: 14q11.2.
Variant type: Deletion.
Coding change: c.2231_2237del on transcript NM_002471.4 (MANE Select); coding-DNA positions 2231 to 2237, 7 bases deleted (CAGAGAA; older notation c.2231_2237delCAGAGAA).
Protein change: p.Thr744fs; shifts the reading frame from threonine 744.
Molecular consequence: frameshift variant.
Genome position (GRCh38, 1-based): chr14:23,396,749-23,396,755, TTCTCTG deleted on the plus strand (CAGAGAA on the coding strand, the reverse complement: MYH6 is on the minus strand); deleting any 7 consecutive bases within chr14:23,396,749-23,396,756 gives the same sequence; the c. name uses the placement nearest the transcript's 3' end. VCF-style (leftmost placement, unchanged base first): chr14-23396748-CTTCTCTG-C. GRCh37 (hg19) VCF-style: chr14-23865957-CTTCTCTG-C.
Other names: short protein forms T744fs.
Identifiers: ClinVar variation 3627072 (VCV003627072.2).